The following is an entry in ClinVar:

NM_001166108.2(PALLD):c.2555C>G (p.Ser852Cys)

Genes: CBR4 (carbonyl reductase 4; minus strand), PALLD (palladin, cytoskeletal associated protein; plus strand). Cytogenetic location: 4q32.3.
Variant type: single nucleotide variant.
Coding change: c.2555C>G on transcript NM_001166108.2 (MANE Select); coding-DNA position 2555, C replaced by G.
Protein change: p.Ser852Cys; replaces serine 852 with cysteine.
Molecular consequence: missense variant.
Genome position (GRCh38, 1-based): chr4:168,903,839, C>G. VCF-style: chr4-168903839-C-G. GRCh37 (hg19) VCF-style: chr4-169824990-C-G.
Other names: c.1358C>G, p.Ser453Cys (NM_001166109.2); c.1043C>G, p.Ser348Cys (NM_001166110.2); c.383C>G, p.Ser128Cys (NM_001367567.1, NM_001367569.1); c.434C>G, p.Ser145Cys (NM_001367568.1, NM_001367570.1); c.2504C>G, p.Ser835Cys (NM_016081.4); short protein forms S145C, S348C, S852C, S128C, S835C, S453C.
Identifiers: ClinVar variation 2448501 (VCV002448501.2), dbSNP rs2533839553, ClinGen allele CA358799417.

ClinVar aggregate classification (germline): Uncertain significance (1 of 4 stars; one submission).

Submission:

Ambry Genetics
Classification: Uncertain significance. Last evaluated: 2023-02-23. Review status: criteria provided, single submitter. Criteria: Ambry Variant Classification Scheme 2023. Collection method: clinical testing. Allele origin: germline.
Comment: The p.S835C variant (also known as c.2504C>G), located in coding exon 13 of the PALLD gene, results from a C to G substitution at nucleotide position 2504. The serine at codon 835 is replaced by cysteine, an amino acid with dissimilar properties. This amino acid position is conserved. In addition, the in silico prediction for this alteration is inconclusive. Since supporting evidence is limited at this time, the clinical significance of this alteration remains unclear.